The following is an entry in ClinVar:

ClinVar aggregate classification (germline): Uncertain significance. Review status: criteria provided, multiple submitters, no conflicts (2 of 4 stars). 2 submissions from 2 submitters: Uncertain significance (2). Last evaluated 2025-05-05.

Conditions:
Chuvash polycythemia. Also called: POLYCYTHEMIA, VHL-DEPENDENT. Identifiers: Orphanet 238557, MedGen C1837915, MONDO:0009892, OMIM 263400.
Von Hippel-Lindau syndrome (VHLS). Also called: von Hippel–Lindau syndrome; Von Hippel-Lindau; VHL syndrome. Identifiers: Orphanet 892, MedGen C0019562, MONDO:0008667, OMIM 193300. Disease mechanism: loss of function.
Hereditary cancer-predisposing syndrome. Also called: Neoplastic Syndromes, Hereditary; Hereditary Cancer Syndrome; Hereditary neoplastic syndrome; Tumor predisposition. Identifiers: Orphanet 140162, MedGen C0027672, MeSH D009386, MONDO:0015356.

Allele frequency attached by ClinVar (database versions not stated): TOPMed below 0.00001; gnomAD 0.00002.

Submissions (2):

Labcorp Genetics (formerly Invitae), Labcorp
Classification: Uncertain significance for Von Hippel-Lindau syndrome; Chuvash polycythemia. Last evaluated: 2025-05-05. Review status: criteria provided, single submitter. Criteria: Invitae Variant Classification Sherloc (09022015). Collection method: clinical testing. Allele origin: germline.
Comment: This sequence change replaces glutamic acid, which is acidic and polar, with valine, which is neutral and non-polar, at codon 55 of the VHL protein (p.Glu55Val). This variant is not present in population databases (gnomAD no frequency). This variant has not been reported in the literature in individuals affected with VHL-related conditions. ClinVar contains an entry for this variant (Variation ID: 2153117). Invitae Evidence Modeling of protein sequence and biophysical properties (such as structural, functional, and spatial information, amino acid conservation, physicochemical variation, residue mobility, and thermodynamic stability) has been performed for this missense variant. However, the output from this modeling did not meet the statistical confidence thresholds required to predict the impact of this variant on VHL protein function. In summary, the available evidence is currently insufficient to determine the role of this variant in disease. Therefore, it has been classified as a Variant of Uncertain Significance.

Ambry Genetics
Classification: Uncertain significance for Hereditary cancer-predisposing syndrome. Last evaluated: 2024-01-08. Review status: criteria provided, single submitter. Criteria: Ambry Variant Classification Scheme 2023. Collection method: clinical testing. Allele origin: germline.
Comment: The p.E55V variant (also known as c.164A>T), located in coding exon 1 of the VHL gene, results from an A to T substitution at nucleotide position 164. The glutamic acid at codon 55 is replaced by valine, an amino acid with dissimilar properties. This amino acid position is not well conserved in available vertebrate species. In addition, this alteration is predicted to be tolerated by in silico analysis. Since supporting evidence is limited at this time, the clinical significance of this alteration remains unclear.

NM_000551.4(VHL):c.164A>T (p.Glu55Val)

Gene: VHL (von Hippel-Lindau tumor suppressor; plus strand). Cytogenetic location: 3p25.3.
Variant type: single nucleotide variant.
Coding change: c.164A>T on transcript NM_000551.4 (MANE Select); coding-DNA position 164, A replaced by T.
Protein change: p.Glu55Val; replaces glutamic acid 55 with valine.
Molecular consequence: missense variant.
Genome position (GRCh38, 1-based): chr3:10,142,011, A>T. VCF-style: chr3-10142011-A-T. GRCh37 (hg19) VCF-style: chr3-10183695-A-T.
Other names: c.164A>T, p.Glu55Val (NM_001354723.2, NM_198156.3); short protein forms E55V.
Identifiers: ClinVar variation 2153117 (VCV002153117.5), dbSNP rs1328776664, ClinGen allele CA351748518.
Genomic context (GRCh38, chr3:10,142,011, plus strand): 5'-CCGAGGAGTCCGGCCCGGAAGAGTCCGGCCCGGAGGAACTGGGCGCCGAGGAGGAGATGG[A>T]GGCCGGGCGGCCGCGGCCCGTGCTGCGCTCGGTGAACTCGCGCGAGCCCTCCCAGGTCAT-3'
Protein context (NP_000542.1, residues 45-65): PEELGAEEEM[Glu55Val]AGRPRPVLRS